The following is an entry in ClinVar:

ClinVar aggregate classification (germline): Uncertain significance (1 of 4 stars; one submission).

Submission:

GeneDx
Classification: Uncertain significance. Last evaluated: 2021-06-20. Review status: criteria provided, single submitter. Criteria: GeneDx Variant Classification Process June 2021. Collection method: clinical testing. Allele origin: germline. Affected: yes.
Comment: Not observed at significant frequency in large population cohorts (Lek et al., 2016); In silico analysis supports that this missense variant has a deleterious effect on protein structure/function; Has not been previously published as pathogenic or benign to our knowledge; This variant is associated with the following publications: (PMID: 27535533)

NM_005618.4(DLL1):c.1778T>G (p.Leu593Arg)

Gene: DLL1 (delta like canonical Notch ligand 1; minus strand). Cytogenetic location: 6q27.
Variant type: single nucleotide variant.
Coding change: c.1778T>G on transcript NM_005618.4 (MANE Select); coding-DNA position 1778, T replaced by G.
Protein change: p.Leu593Arg; replaces leucine 593 with arginine.
Molecular consequence: missense variant.
Genome position (GRCh38, 1-based): chr6:170,283,501, A>C on the plus strand (T>G on the coding strand, the complement: DLL1 is on the minus strand). VCF-style: chr6-170283501-A-C. GRCh37 (hg19) VCF-style: chr6-170592589-A-C.
Other names: short protein forms L593R.
Identifiers: ClinVar variation 1328887 (VCV001328887.2), dbSNP rs2114957805, ClinGen allele CA366506581.